The following is an entry in ClinVar:

NM_032888.4(COL27A1):c.4813C>T (p.Pro1605Ser)

Gene: COL27A1 (collagen type XXVII alpha 1 chain; plus strand). Cytogenetic location: 9q32.
Variant type: single nucleotide variant.
Coding change: c.4813C>T on transcript NM_032888.4 (MANE Select); coding-DNA position 4813, C replaced by T.
Protein change: p.Pro1605Ser; replaces proline 1605 with serine.
Molecular consequence: missense variant.
Genome position (GRCh38, 1-based): chr9:114,301,685, C>T. VCF-style: chr9-114301685-C-T. GRCh37 (hg19) VCF-style: chr9-117063965-C-T.
Other names: short protein forms P1605S.
Identifiers: ClinVar variation 2149646 (VCV002149646.1), dbSNP rs780564669, ClinGen allele CA5203139.

ClinVar aggregate classification (germline): Uncertain significance (1 of 4 stars; one submission).

Allele frequency attached by ClinVar (database versions not stated): ExAC 0.00003; gnomAD 0.00004; gnomAD exomes 0.00004.
gnomAD v4.1: 68 of 1,610,658 alleles (0.0042%); highest among the groups gnomAD compares: Non-Finnish European, 0.0056%; no homozygotes.

Submission:

Labcorp Genetics (formerly Invitae), Labcorp
Classification: Uncertain significance. Last evaluated: 2022-10-05. Review status: criteria provided, single submitter. Criteria: Invitae Variant Classification Sherloc (09022015). Collection method: clinical testing. Allele origin: germline.
Comment: This sequence change replaces proline, which is neutral and non-polar, with serine, which is neutral and polar, at codon 1605 of the COL27A1 protein (p.Pro1605Ser). This variant is present in population databases (rs780564669, gnomAD 0.008%). This variant has not been reported in the literature in individuals affected with COL27A1-related conditions. Advanced modeling of protein sequence and biophysical properties (such as structural, functional, and spatial information, amino acid conservation, physicochemical variation, residue mobility, and thermodynamic stability) performed at Invitae indicates that this missense variant is not expected to disrupt COL27A1 protein function. In summary, the available evidence is currently insufficient to determine the role of this variant in disease. Therefore, it has been classified as a Variant of Uncertain Significance.